The following is an entry in ClinVar:

ClinVar aggregate classification (germline): Uncertain significance. Review status: criteria provided, multiple submitters, no conflicts (2 of 4 stars). 2 submissions from 2 submitters: Uncertain significance (2). Last evaluated 2026-07-13.

Conditions:
Inborn genetic diseases. Identifiers: MedGen C0950123, MeSH D030342.

Submissions (2):

Ambry Genetics
Classification: Uncertain significance for Inborn genetic diseases. Last evaluated: 2026-07-13. Review status: criteria provided, single submitter. Criteria: Ambry Variant Classification Scheme 2023. Collection method: clinical testing. Allele origin: germline.
Comment: The p.S1095P variant (also known as c.3283T>C), located in coding exon 13 of the ASXL1 gene, results from a T to C substitution at nucleotide position 3283. The serine at codon 1095 is replaced by proline, an amino acid with similar properties. This amino acid position is conserved. In addition, this alteration is predicted to be tolerated by in silico analysis. Based on the available evidence, the clinical significance of this variant remains unclear.

Labcorp Genetics (formerly Invitae), Labcorp
Classification: Uncertain significance. Last evaluated: 2024-01-29. Review status: criteria provided, single submitter. Criteria: Invitae Variant Classification Sherloc (09022015). Collection method: clinical testing. Allele origin: germline.
Comment: This sequence change replaces serine, which is neutral and polar, with proline, which is neutral and non-polar, at codon 1095 of the ASXL1 protein (p.Ser1095Pro). This variant is not present in population databases (gnomAD no frequency). This variant has not been reported in the literature in individuals affected with ASXL1-related conditions. Algorithms developed to predict the effect of missense changes on protein structure and function output the following: SIFT: "Not Available"; PolyPhen-2: "Benign"; Align-GVGD: "Not Available". The proline amino acid residue is found in multiple mammalian species, which suggests that this missense change does not adversely affect protein function. In summary, the available evidence is currently insufficient to determine the role of this variant in disease. Therefore, it has been classified as a Variant of Uncertain Significance.

NM_015338.6(ASXL1):c.3283T>C (p.Ser1095Pro)

Gene: ASXL1 (ASXL transcriptional regulator 1; plus strand). Cytogenetic location: 20q11.21.
Variant type: single nucleotide variant.
Coding change: c.3283T>C on transcript NM_015338.6 (MANE Select); coding-DNA position 3283, T replaced by C.
Protein change: p.Ser1095Pro; replaces serine 1095 with proline.
Molecular consequence: missense variant.
Genome position (GRCh38, 1-based): chr20:32,435,995, T>C. VCF-style: chr20-32435995-T-C. GRCh37 (hg19) VCF-style: chr20-31023798-T-C.
Other names: c.3100T>C, p.Ser1034Pro (NM_001363734.1); short protein forms S1034P, S1095P.
Identifiers: ClinVar variation 2783974 (VCV002783974.4), dbSNP rs2515578517, ClinGen allele CA408562736.